The following is an entry in ClinVar:

ClinVar aggregate classification (germline): Uncertain significance (1 of 4 stars; one submission).

Submission:

Labcorp Genetics (formerly Invitae), Labcorp
Classification: Uncertain significance. Last evaluated: 2025-02-20. Review status: criteria provided, single submitter. Criteria: Invitae Variant Classification Sherloc (09022015). Collection method: clinical testing. Allele origin: germline.
Comment: This sequence change replaces glutamine, which is neutral and polar, with glutamic acid, which is acidic and polar, at codon 1215 of the ERBIN protein (p.Gln1215Glu). This variant is not present in population databases (gnomAD no frequency). This variant has not been reported in the literature in individuals affected with ERBIN-related conditions. An algorithm developed to predict the effect of missense changes on protein structure and function (PolyPhen-2) suggests that this variant is likely to be tolerated. In summary, the available evidence is currently insufficient to determine the role of this variant in disease. Therefore, it has been classified as a Variant of Uncertain Significance.

NM_001253697.2(ERBIN):c.3643C>G (p.Gln1215Glu)

Gene: ERBIN (erbb2 interacting protein; plus strand). Cytogenetic location: 5q12.3.
Variant type: single nucleotide variant.
Coding change: c.3643C>G on transcript NM_001253697.2 (MANE Select); coding-DNA position 3643, C replaced by G.
Protein change: p.Gln1215Glu; replaces glutamine 1215 with glutamic acid.
Molecular consequence: missense variant. On other transcripts: intron variant (5).
Genome position (GRCh38, 1-based): chr5:66,072,178, C>G. VCF-style: chr5-66072178-C-G. GRCh37 (hg19) VCF-style: chr5-65368006-C-G.
Other names: c.3778-2846C>G (NM_001253699.2); c.3634-2846C>G (NM_018695.4, NM_001253698.2); c.3634-4138C>G (NM_001006600.3); c.3622-2846C>G (NM_001253701.2); short protein forms Q1215E.
Identifiers: ClinVar variation 4713607 (VCV004713607.1).